The following is an entry in ClinVar:

ClinVar aggregate classification (germline): Benign. Review status: reviewed by expert panel (3 of 4 stars). 14 submissions from 14 submitters: Benign (1). 13 of the submissions do not count toward it. Last evaluated 2018-09-17.

Conditions:
Retinal dystrophy. Also called: Inherited retinal dystrophy. Identifiers: Orphanet 71862, MedGen C0854723, MeSH D058499, MONDO:0019118, HP:0000556.
Usher syndrome. Also called: Usher Syndromes; Usher's syndrome. Identifiers: Orphanet 886, MedGen CN469326, MeSH D052245, MONDO:0019501. Disease mechanism: loss of function.
Retinitis pigmentosa 39 (RP39). Identifiers: Orphanet 791, MedGen C3151138, MONDO:0013436, OMIM 613809.
Usher syndrome type 2A. Also called: RETINAL DISEASE IN USHER SYNDROME TYPE IIA, MODIFIER OF; USHER SYNDROME, TYPE IIA. Identifiers: Orphanet 231178, Orphanet 886, MedGen C1848634, MONDO:0010169, OMIM 276901.

Allele frequency attached by ClinVar (database versions not stated): ESP Exome Variant Server 0.00254; gnomAD 0.00343 and 0.00609; TOPMed 0.00434; gnomAD exomes 0.00917 and 0.01251; ExAC 0.01345; 1000 Genomes Project 30x 0.02358; 1000 Genomes Project 0.02456.
gnomAD v4.1: 14,322 of 1,614,074 alleles (0.89%); highest among the groups gnomAD compares: South Asian, 6.8%; 369 homozygotes.

Submissions (14):

ClinGen Hearing Loss Variant Curation Expert Panel
Classification: Benign for Usher syndrome. Last evaluated: 2018-09-17. Review status: reviewed by expert panel. Criteria: ClinGen HL ACMG Specifications v1. Collection method: curation. Allele origin: germline. Inheritance: Autosomal recessive inheritance.
Comment: The filtering allele frequency of the p.Ser5188Gly variant in the USH2A gene is 6.8% (2200/30782) of South Asian chromosomes by the Genome Aggregation Database (calculated by using inverse allele frequency at an online resource), which is a high enough frequency to be classified as benign based on thresholds defined by the ClinGen Hearing Loss Expert Panel for autosomal recessive hearing loss variants (BA1).

Labcorp Genetics (formerly Invitae), Labcorp
Classification: Benign. Last evaluated: 2026-02-04. Review status: criteria provided, single submitter. Criteria: Invitae Variant Classification Sherloc (09022015). Collection method: clinical testing. Allele origin: germline. Not counted in ClinVar's aggregate classification.

Dept Of Ophthalmology, Nagoya University
Classification: Benign for Retinal dystrophy. Last evaluated: 2023-10-01. Review status: criteria provided, single submitter. Criteria: Submitter's publication. Collection method: research. Allele origin: germline. Affected: yes. Not counted in ClinVar's aggregate classification.

Fulgent Genetics
Classification: Benign for Usher syndrome type 2A; Retinitis pigmentosa 39. Last evaluated: 2022-05-10. Review status: criteria provided, single submitter. Criteria: ACMG Guidelines, 2015. Collection method: clinical testing. Allele origin: unknown. Not counted in ClinVar's aggregate classification.

Women's Health and Genetics/Laboratory Corporation of America, LabCorp
Classification: Likely benign. Last evaluated: 2022-02-18. Review status: criteria provided, single submitter. Criteria: LabCorp Variant Classification Summary - May 2015. Collection method: clinical testing. Allele origin: germline. Not counted in ClinVar's aggregate classification.

ARUP Laboratories, Molecular Genetics and Genomics, ARUP Laboratories
Classification: Benign. Last evaluated: 2020-01-16. Review status: criteria provided, single submitter. Criteria: ARUP Molecular Germline Variant Investigation Process. Collection method: clinical testing. Allele origin: germline. Not counted in ClinVar's aggregate classification.

Mendelics
Classification: Benign for Usher syndrome type 2A. Last evaluated: 2019-05-28. Review status: criteria provided, single submitter. Criteria: Mendelics Assertion Criteria 2017. Collection method: clinical testing. Allele origin: unknown. Not counted in ClinVar's aggregate classification.

GeneDx
Classification: Benign. Last evaluated: 2019-01-16. Review status: criteria provided, single submitter. Criteria: GeneDx Variant Classification Process June 2021. Collection method: clinical testing. Allele origin: germline. Affected: yes. Not counted in ClinVar's aggregate classification.
Comment: This variant is associated with the following publications: (PMID: 25356976)

Eurofins Ntd Llc (ga)
Classification: Benign. Last evaluated: 2014-05-21. Review status: criteria provided, single submitter. Criteria: EGL Classification Definitions 2015. Collection method: clinical testing. Allele origin: germline. Observed: 1 variant allele, 1 heterozygote. Not counted in ClinVar's aggregate classification.

Laboratory for Molecular Medicine, Mass General Brigham Personalized Medicine
Classification: Benign. Last evaluated: 2010-05-19. Review status: criteria provided, single submitter. Criteria: LMM Criteria. Collection method: clinical testing. Allele origin: germline. Observed: 34 variant alleles. Not counted in ClinVar's aggregate classification.

Breakthrough Genomics
Classification: Benign. Review status: criteria provided, single submitter. Criteria: ACMG Guidelines, 2015. Collection method: not provided. Allele origin: germline. Inheritance: Autosomal recessive inheritance. Affected: yes. Not counted in ClinVar's aggregate classification.

Natera, Inc.
Classification: Benign for Usher syndrome type 2A. Last evaluated: 2020-09-16. Review status: no assertion criteria provided. Collection method: clinical testing. Allele origin: germline. Not counted in ClinVar's aggregate classification.

Joint Genome Diagnostic Labs from Nijmegen and Maastricht, Radboudumc and MUMC+
Classification: Benign. Review status: no assertion criteria provided. Collection method: clinical testing. Allele origin: germline. Affected: yes. Study: VKGL Data-share Consensus. Not counted in ClinVar's aggregate classification.

Laboratory of Diagnostic Genome Analysis, Leiden University Medical Center (LUMC)
Classification: Likely benign. Review status: no assertion criteria provided. Collection method: clinical testing. Allele origin: germline. Affected: yes. Study: VKGL Data-share Consensus. Not counted in ClinVar's aggregate classification.

NM_206933.4(USH2A):c.15562A>G (p.Ser5188Gly)

Gene: USH2A (usherin; minus strand). Cytogenetic location: 1q41.
Variant type: single nucleotide variant.
Coding change: c.15562A>G on transcript NM_206933.4 (MANE Select); coding-DNA position 15562, A replaced by G.
Protein change: p.Ser5188Gly; replaces serine 5188 with glycine.
Molecular consequence: missense variant.
Genome position (GRCh38, 1-based): chr1:215,625,828, T>C on the plus strand (A>G on the coding strand, the complement: USH2A is on the minus strand). VCF-style: chr1-215625828-T-C. GRCh37 (hg19) VCF-style: chr1-215799170-T-C.
Other names: NM_206933.2(USH2A):c.15562A>G(p.Ser5188Gly); NM_206933.2(USH2A):c.15562A>G; short protein forms S5188G.
Identifiers: ClinVar variation 48468 (VCV000048468.38), dbSNP rs58257972, ClinGen allele CA143409.